The following is an entry in ClinVar:

ClinVar aggregate classification (germline): Pathogenic (1 of 4 stars; one submission).

Submission:

Labcorp Genetics (formerly Invitae), Labcorp
Classification: Pathogenic. Last evaluated: 2021-12-28. Review status: criteria provided, single submitter. Criteria: Invitae Variant Classification Sherloc (09022015). Collection method: clinical testing. Allele origin: germline.
Comment: This sequence change creates a premature translational stop signal (p.Ala426Leufs*12) in the PLD1 gene. It is expected to result in an absent or disrupted protein product. Loss-of-function variants in PLD1 are known to be pathogenic (PMID: 27799408). This variant is not present in population databases (gnomAD no frequency). This variant has not been reported in the literature in individuals affected with PLD1-related conditions. For these reasons, this variant has been classified as Pathogenic.

Literature cited by the submitters: PubMed 27799408.

NM_002662.5(PLD1):c.1276_1279del (p.Ala426fs)

Gene: PLD1 (phospholipase D1; minus strand). Cytogenetic location: 3q26.31.
Variant type: Deletion.
Coding change: c.1276_1279del on transcript NM_002662.5 (MANE Select); coding-DNA positions 1276 to 1279, 4 bases deleted (GCTC; older notation c.1276_1279delGCTC).
Protein change: p.Ala426fs; shifts the reading frame from alanine 426.
Molecular consequence: frameshift variant.
Genome position (GRCh38, 1-based): chr3:171,692,391-171,692,394, GAGC deleted on the plus strand (GCTC on the coding strand, the reverse complement: PLD1 is on the minus strand); deleting any 4 consecutive bases within chr3:171,692,391-171,692,397 gives the same sequence; the c. name uses the placement nearest the transcript's 3' end. VCF-style (leftmost placement, unchanged base first): chr3-171692390-AGAGC-A. GRCh37 (hg19) VCF-style: chr3-171410180-AGAGC-A.
Other names: c.1276_1279del, p.Ala426fs (NM_001130081.3); short protein forms A426fs.
Identifiers: ClinVar variation 2042304 (VCV002042304.4), dbSNP rs2473919563, ClinGen allele CA2580069078.